The following is an entry in ClinVar:

ClinVar aggregate classification (germline): Conflicting classifications of pathogenicity. Review status: criteria provided, conflicting classifications (1 of 4 stars). 4 submissions from 4 submitters: Pathogenic (1); Likely pathogenic (1); Uncertain significance (2). Last evaluated 2025-02-13.

Conditions:
Retinitis pigmentosa 59 (RP59). Identifiers: Orphanet 791, MedGen C3151227, MONDO:0013468, OMIM 613861.
Developmental delay and seizures with or without movement abnormalities. Identifiers: MedGen C4693376, MONDO:0044326, OMIM 617836.

Submissions (4):

GeneDx
Classification: Pathogenic. Last evaluated: 2025-02-13. Review status: criteria provided, single submitter. Criteria: GeneDx Variant Classification Process June 2021. Collection method: clinical testing. Allele origin: germline. Affected: yes.
Comment: Not observed at significant frequency in large population cohorts (gnomAD); In silico analysis supports that this missense variant has a deleterious effect on protein structure/function; Has not been previously published as pathogenic or benign to our knowledge; This variant is associated with the following publications: (PMID: 34906498)

3billion
Classification: Uncertain significance for Developmental delay and seizures with or without movement abnormalities. Last evaluated: 2023-02-23. Review status: criteria provided, single submitter. Criteria: ACMG Guidelines, 2015. Collection method: clinical testing. Allele origin: unknown. Affected: yes.
Comment: The variant is not observed in the gnomAD v2.1.1 dataset. In silico tool predictions suggest damaging effect of the variant on gene or gene product (REVEL: 0.92; 3Cnet: 0.84). Same nucleotide change resulting in same amino acid change has been previously reported to be associated with DHDDS related disorder (ClinVar ID: VCV001467791). A different missense change at the same codon (p.Arg38His) has been reported to be associated with DHDDS related disorder (ClinVar ID: VCV000807406 / PMID: 34906498). However the evidence of pathogenicity is insufficient at this time. Therefore, this variant is classified as VUS according to the recommendation of ACMG/AMP guideline.

Groupe Hospitalier Pitie Salpetriere, Uf Genomique Du Developpement, Assistance Publique Hopitaux de Paris Sorbonne Université
Classification: Likely pathogenic for Developmental delay and seizures with or without movement abnormalities. Last evaluated: 2022-10-01. Review status: criteria provided, single submitter. Criteria: ACMG Guidelines, 2015. Collection method: clinical testing. Allele origin: germline. Affected: yes.
Comment: This variant is located in a mutational hot spot and or critical functional domain without benign variation (PM1), absent or extremely rare in population databases (PM2_supp), a novel missense change at an amino acid residue where a different pathogenic missense change has been seen before (PM5), strong computational evidence supports a deleterious effect on the gene or gene product (PP3_Strong) and reported as pathogenic by a reputable source though evidence isnt available for independent evaluation (PP5)

Labcorp Genetics (formerly Invitae), Labcorp
Classification: Uncertain significance for Retinitis pigmentosa 59. Last evaluated: 2022-07-06. Review status: criteria provided, single submitter. Criteria: Invitae Variant Classification Sherloc (09022015). Collection method: clinical testing. Allele origin: germline.
Comment: In summary, the available evidence is currently insufficient to determine the role of this variant in disease. Therefore, it has been classified as a Variant of Uncertain Significance. Algorithms developed to predict the effect of missense changes on protein structure and function (SIFT, PolyPhen-2, Align-GVGD) all suggest that this variant is likely to be disruptive. ClinVar contains an entry for this variant (Variation ID: 1467791). This variant has not been reported in the literature in individuals affected with DHDDS-related conditions. This variant is not present in population databases (gnomAD no frequency). This sequence change replaces arginine, which is basic and polar, with cysteine, which is neutral and slightly polar, at codon 38 of the DHDDS protein (p.Arg38Cys).

Literature cited by the submitters: PubMed 34906498 (cited by 3billion).

NM_205861.3(DHDDS):c.112C>T (p.Arg38Cys)

Gene: DHDDS (dehydrodolichyl diphosphate synthase subunit; plus strand). Cytogenetic location: 1p36.11.
Variant type: single nucleotide variant.
Coding change: c.112C>T on transcript NM_205861.3 (MANE Select); coding-DNA position 112, C replaced by T.
Protein change: p.Arg38Cys; replaces arginine 38 with cysteine.
Molecular consequence: missense variant. On other transcripts: 5 prime UTR variant (1).
Genome position (GRCh38, 1-based): chr1:26,438,216, C>T. VCF-style: chr1-26438216-C-T. GRCh37 (hg19) VCF-style: chr1-26764707-C-T.
Other names: c.112C>T, p.Arg38Cys (NM_001243564.2, NM_001243565.2, NM_024887.4); c.-191C>T (NM_001319959.2); short protein forms R38C.
Identifiers: ClinVar variation 1467791 (VCV001467791.14), dbSNP rs2124374558, ClinGen allele CA339138689.